The following is an entry in ClinVar:

ClinVar aggregate classification (germline): Likely pathogenic. Review status: criteria provided, multiple submitters, no conflicts (2 of 4 stars). 4 submissions from 4 submitters: Likely pathogenic (3). 1 of the submissions does not count toward it. Last evaluated 2026-08-24.

Conditions:
HIBCH-related disorder. Also called: HIBCH-related condition.
3-hydroxyisobutyryl-CoA hydrolase deficiency. Also called: VALINE METABOLIC DEFECT; HIBCH DEFICIENCY; METHACRYLIC ACID TOXICITY; METHACRYLIC ACIDURIA; Reduced circulating 3-hydroxyisobutyryl-CoA hydrolase activity; Deficiency of 3-hydroxyisobutyryl CoA hydrolase. Identifiers: Orphanet 88639, MedGen C0342738, MONDO:0009603, OMIM 250620, HP:6000215.

gnomAD v4.1: 1 of 1,608,982 alleles (0.000062%); highest among the groups gnomAD compares: South Asian, 0.0011%; no homozygotes.

Submissions (4):

PreventionGenetics, part of Exact Sciences
Classification: Likely pathogenic for HIBCH-related condition. Last evaluated: 2026-08-24. Review status: criteria provided, single submitter. Criteria: ACMG Guidelines, 2015. Collection method: clinical testing. Allele origin: germline.
Comment: The HIBCH c.950G>A variant is predicted to result in the amino acid substitution p.Gly317Glu. This variant has been reported in the homozygous state in siblings with HIBCH deficiency (Ferdinandusse et al. 2013. PubMed ID: 24299452). In vitro experimental studies indicate this variant decreases enzyme activity and protein expression (Yamada et al. 2014. PubMed ID: 27896122). This variant has not been reported in a large population database (gnomAD), indicating it is rare. Taken together, we classify this variant as likely pathogenic.

Division of Genetic & Genomic Pathology, Hong Kong Children's Hospital
Classification: Likely pathogenic for 3-hydroxyisobutyryl-CoA hydrolase deficiency. Last evaluated: 2024-11-22. Review status: criteria provided, single submitter. Criteria: ACMG Guidelines, 2015. Collection method: clinical testing. Allele origin: germline. Affected: yes.
Comment: HIBCH c.950G>A p.(Gly317Glu) is a missense variant located in exon 12. The variant is reported at a very low frequency in control population databases (gnomAD v4.1.0: 1 South Asian heterozygote in 1,608,982 alleles). The variant has been detected (homozygotes) in two Pakistani siblings with 3-hydroxyisobutryl-CoA hydrolase (HIBCH) deficiency (PMID: 24299452, ClinVar accession: VCV000187864.1). The variant has a REVEL score of 0.919, which is predicted to be deleterious. Enzyme assay suggested that the variant could result in a decreased HIBCH activity (PMID:27896122). Dried blood spot and urine organic acid analysis results were compatible with HIBCH deficiency. This variant is classified as likely pathogenic.

Neuberg Centre For Genomic Medicine, NCGM
Classification: Likely pathogenic for 3-hydroxyisobutyryl-CoA hydrolase deficiency. Review status: criteria provided, single submitter. Criteria: ACMG Guidelines, 2015. Collection method: clinical testing. Allele origin: germline. Inheritance: Autosomal recessive inheritance. Affected: yes.
Comment: The HIBCH c.950G>A(p.Gly317Glu) variant has been reported in homozygous state in individuals affected with 3-hydroxyisobutryl-CoA hydrolase deficiency (Karimzadeh et al). This variant is novel (not in any individual) in the gnomad and novel in 1000 genome database. This variant has been reported to the ClinVar database as Pathogenic . The amino acid Gly at position 317 is changed to a Glu changing protein sequence and it might alter its composition and physicochemical properties. The variant is predicted to be damaging by both SIFT and PolyPhen2. The residue is conserved across species. The amino acid change p.Gly317Glu in HIBCH is predicted as conserved by GERP++ and PhyloP across 100 vertebrates.. For these reasons, this variant has been classified as Likely Pathogenic.

OMIM
Classification: Pathogenic for 3-HYDROXYISOBUTYRYL-CoA HYDROLASE DEFICIENCY. Last evaluated: 2013-12-04. Review status: no assertion criteria provided. Collection method: literature only. Allele origin: germline. Not counted in ClinVar's aggregate classification.

Literature cited by the submitters: PubMed 24299452 (cited by Division of Genetic & Genomic Pathology, Hong Kong Children's Hospital and OMIM); PubMed 27896122 (cited by Division of Genetic & Genomic Pathology, Hong Kong Children's Hospital).

NM_014362.4(HIBCH):c.950G>A (p.Gly317Glu)

Gene: HIBCH (3-hydroxyisobutyryl-CoA hydrolase; minus strand). Cytogenetic location: 2q32.2.
Variant type: single nucleotide variant.
Coding change: c.950G>A on transcript NM_014362.4 (MANE Select); coding-DNA position 950, G replaced by A.
Protein change: p.Gly317Glu; replaces glycine 317 with glutamic acid.
Molecular consequence: missense variant.
Genome position (GRCh38, 1-based): chr2:190,213,017, C>T on the plus strand (G>A on the coding strand, the complement: HIBCH is on the minus strand). VCF-style: chr2-190213017-C-T. GRCh37 (hg19) VCF-style: chr2-191077743-C-T.
Other names: c.950G>A, p.Gly317Glu (NM_198047.3); c.950G>A (NM_014362.3); short protein forms G317E.
Identifiers: ClinVar variation 187864 (VCV000187864.3), dbSNP rs786204004, ClinGen allele CA198553.
Genomic context (GRCh38, chr2:190,213,017, plus strand): 5'-ATACAAGCTTGACTTAGCCGATACTCCATAGTTAGTACTTCTTGCAAGGTCTTTGAAGAC[C>T]CCTCCATGAGTTGCCTTAGTGTGATCTTTAGAGATGTTGGAGACATTTTATTAATTACCT-3'
Protein context (NP_055177.2, residues 307-327): LKITLRQLME[Gly317Glu]SSKTLQEVLT